The following is an entry in ClinVar:

NM_058216.3(RAD51C):c.932T>A (p.Ile311Lys)

Gene: RAD51C (RAD51 paralog C; plus strand). Cytogenetic location: 17q22.
Variant type: single nucleotide variant.
Coding change: c.932T>A on transcript NM_058216.3 (MANE Select); coding-DNA position 932, T replaced by A.
Protein change: p.Ile311Lys; replaces isoleucine 311 with lysine.
Molecular consequence: missense variant. On other transcripts: non-coding transcript variant (1).
Genome position (GRCh38, 1-based): chr17:58,724,067, T>A. VCF-style: chr17-58724067-T-A. GRCh37 (hg19) VCF-style: chr17-56801428-T-A.
Other names: short protein forms I311K.
Identifiers: ClinVar variation 1443174 (VCV001443174.6), dbSNP rs786203766, ClinGen allele CA400361406.
Genomic context (GRCh38, chr17:58,724,067, plus strand): 5'-GCCATATACAGTTATTATGTTTTTTACTCTCAGGGGAAAGTTGGGGACATGCTGCTACAA[T>A]ACGGCTAATCTTTCATTGGGACCGAAAGCAAAGGTCAGTACAGAAACAAGTTAATAACTC-3'
Protein context (NP_478123.1, residues 301-321): LGESWGHAAT[Ile311Lys]RLIFHWDRKQ

ClinVar aggregate classification (germline): Uncertain significance (1 of 4 stars; one submission).

Conditions:
Fanconi anemia complementation group O. Also called: RAD51C-Related Fanconi Anemia. Identifiers: Orphanet 84, MedGen C3150653, MONDO:0013248, OMIM 613390.

Submission:

Labcorp Genetics (formerly Invitae), Labcorp
Classification: Uncertain significance for Fanconi anemia complementation group O. Last evaluated: 2021-11-07. Review status: criteria provided, single submitter. Criteria: Invitae Variant Classification Sherloc (09022015). Collection method: clinical testing. Allele origin: germline.
Comment: In summary, the available evidence is currently insufficient to determine the role of this variant in disease. Therefore, it has been classified as a Variant of Uncertain Significance. Algorithms developed to predict the effect of missense changes on protein structure and function (SIFT, PolyPhen-2, Align-GVGD) all suggest that this variant is likely to be tolerated. This variant has not been reported in the literature in individuals affected with RAD51C-related conditions. This variant is not present in population databases (gnomAD no frequency). This sequence change replaces isoleucine, which is neutral and non-polar, with lysine, which is basic and polar, at codon 311 of the RAD51C protein (p.Ile311Lys).